The following is an entry in ClinVar:

ClinVar aggregate classification (germline): Uncertain significance (1 of 4 stars; one submission).

Allele frequency attached by ClinVar (database versions not stated): gnomAD 0.00002; 1000 Genomes Project 30x 0.00016; 1000 Genomes Project 0.00020; gnomAD exomes below 0.00001.
gnomAD v4.1: 7 of 1,192,302 alleles (0.00059%); highest among the groups gnomAD compares: South Asian, 0.025%; no homozygotes.

Submission:

Labcorp Genetics (formerly Invitae), Labcorp
Classification: Uncertain significance. Last evaluated: 2022-01-14. Review status: criteria provided, single submitter. Criteria: Invitae Variant Classification Sherloc (09022015). Collection method: clinical testing. Allele origin: germline.
Comment: This variant has not been reported in the literature in individuals affected with OTULIN-related conditions. Algorithms developed to predict the effect of missense changes on protein structure and function are either unavailable or do not agree on the potential impact of this missense change (SIFT: "Deleterious"; PolyPhen-2: "Benign"; Align-GVGD: "Class C0"). In summary, the available evidence is currently insufficient to determine the role of this variant in disease. Therefore, it has been classified as a Variant of Uncertain Significance. This sequence change replaces glutamic acid, which is acidic and polar, with aspartic acid, which is acidic and polar, at codon 19 of the OTULIN protein (p.Glu19Asp). This variant is not present in population databases (gnomAD no frequency).

NM_138348.6(OTULIN):c.57G>C (p.Glu19Asp)

Gene: OTULIN (OTU deubiquitinase with linear linkage specificity; plus strand). Cytogenetic location: 5p15.2.
Variant type: single nucleotide variant.
Coding change: c.57G>C on transcript NM_138348.6 (MANE Select); coding-DNA position 57, G replaced by C.
Protein change: p.Glu19Asp; replaces glutamic acid 19 with aspartic acid.
Molecular consequence: missense variant.
Genome position (GRCh38, 1-based): chr5:14,664,882, G>C. VCF-style: chr5-14664882-G-C. GRCh37 (hg19) VCF-style: chr5-14664991-G-C.
Other names: short protein forms E19D.
Identifiers: ClinVar variation 2082527 (VCV002082527.4), dbSNP rs549057707, ClinGen allele CA114003905.
Genomic context (GRCh38, chr5:14,664,882, plus strand): 5'-CCGCATGAGTCGGGGGACTATGCCCCAGCCCGAAGCGTGGCCAGGCGCGAGCTGCGCCGA[G>C]ACGCCGGCGCGGGAGGCGGCGGCCACGGCGCGGGACGGCGGGAAGGCGGCGGCCAGCGGG-3'
Protein context (NP_612357.4, residues 9-29): PEAWPGASCA[Glu19Asp]TPAREAAATA